The following is an entry in ClinVar:

NM_001378120.1(MBD5):c.4595G>A (p.Arg1532Gln)

Gene: MBD5 (methyl-CpG binding domain protein 5; plus strand). Cytogenetic location: 2q23.1.
Variant type: single nucleotide variant.
Coding change: c.4595G>A on transcript NM_001378120.1 (MANE Select); coding-DNA position 4595, G replaced by A.
Protein change: p.Arg1532Gln; replaces arginine 1532 with glutamine.
Molecular consequence: missense variant.
Genome position (GRCh38, 1-based): chr2:148,490,227, G>A. VCF-style: chr2-148490227-G-A. GRCh37 (hg19) VCF-style: chr2-149247796-G-A.
Other names: p.R1299Q:CGG>CAG; c.3896G>A, p.Arg1299Gln (NM_018328.5); short protein forms R1299Q, R1532Q.
Identifiers: ClinVar variation 206106 (VCV000206106.29), dbSNP rs35934694, ClinGen allele CA315868.

ClinVar aggregate classification (germline): Benign/Likely benign. Review status: criteria provided, multiple submitters, no conflicts (2 of 4 stars). 5 submissions from 5 submitters: Benign (2); Likely benign (2). 1 of the submissions does not count toward it. Last evaluated 2025-12-19.

Conditions:
MBD5-related disorder. Also called: MBD5-related condition.
Inborn genetic diseases. Identifiers: MedGen C0950123, MeSH D030342.
Intellectual developmental disorder, autosomal dominant 1. Also called: Intellectual disability, autosomal dominant 1; MBD5 Haploinsufficiency. Identifiers: Orphanet 228402, MedGen C1969562, MONDO:0007974, OMIM 156200.

Allele frequency attached by ClinVar (database versions not stated): gnomAD exomes 0.00007 and 0.00019; ExAC 0.00021; 1000 Genomes Project 30x 0.00047; 1000 Genomes Project 0.00060; gnomAD 0.00067 and 0.00074; TOPMed 0.00074; ESP Exome Variant Server 0.00085.
gnomAD v4.1: 216 of 1,614,172 alleles (0.013%); highest among the groups gnomAD compares: African/African-American, 0.23%; 1 homozygote.

Submissions (5):

Labcorp Genetics (formerly Invitae), Labcorp
Classification: Likely benign for Intellectual developmental disorder, autosomal dominant 1. Last evaluated: 2025-12-19. Review status: criteria provided, single submitter. Criteria: Invitae Variant Classification Sherloc (09022015). Collection method: clinical testing. Allele origin: germline.

CeGaT Center for Human Genetics Tuebingen
Classification: Likely benign. Last evaluated: 2025-09-01. Review status: criteria provided, single submitter. Criteria: CeGaT Center For Human Genetics Tuebingen Variant Classification Criteria Version 2. Collection method: clinical testing. Allele origin: germline. Affected: yes. Observed: 1 variant allele.
Comment: MBD5: BP4, BS1

GeneDx
Classification: Benign. Last evaluated: 2019-11-13. Review status: criteria provided, single submitter. Criteria: GeneDx Variant Classification Process June 2021. Collection method: clinical testing. Allele origin: germline. Affected: yes.
Comment: This variant is associated with the following publications: (PMID: 23055267)

Ambry Genetics
Classification: Benign for Inborn genetic diseases. Last evaluated: 2019-05-29. Review status: criteria provided, single submitter. Criteria: Ambry Variant Classification Scheme 2023. Collection method: clinical testing. Allele origin: germline.

PreventionGenetics, part of Exact Sciences
Classification: Likely benign for MBD5-related condition. Last evaluated: 2022-10-19. Review status: no assertion criteria provided. Collection method: clinical testing. Allele origin: germline. Not counted in ClinVar's aggregate classification.
Comment: This variant is classified as likely benign based on ACMG/AMP sequence variant interpretation guidelines (Richards et al. 2015 PMID: 25741868, with internal and published modifications).

Literature cited by the submitters: PubMed 23055267 (cited by Ambry Genetics).